The following is an entry in ClinVar:

ClinVar aggregate classification (germline): Uncertain significance (1 of 4 stars; one submission).

Conditions:
NCOA1-related disorder. Also called: NCOA1-related condition.

Allele frequency attached by ClinVar (database versions not stated): gnomAD exomes below 0.00001.
gnomAD v4.1: 1 of 1,613,946 alleles (0.000062%); highest among the groups gnomAD compares: Non-Finnish European, 0.000085%; no homozygotes.

Submission:

PreventionGenetics, part of Exact Sciences
Classification: Uncertain significance for NCOA1-related condition. Last evaluated: 2025-03-04. Review status: criteria provided, single submitter. Criteria: ACMG Guidelines, 2015. Collection method: clinical testing. Allele origin: germline.
Comment: The NCOA1 c.17A>G variant is predicted to result in the amino acid substitution p.Asp6Gly. To our knowledge, this variant has not been reported in the literature or in a large population database (gnomaAD), indicating this variant is rare. At this time, the clinical significance of this variant is uncertain due to the absence of conclusive functional and genetic evidence.

NM_003743.5(NCOA1):c.17A>G (p.Asp6Gly)

Gene: NCOA1 (nuclear receptor coactivator 1; plus strand). Cytogenetic location: 2p23.3.
Variant type: single nucleotide variant.
Coding change: c.17A>G on transcript NM_003743.5 (MANE Select); coding-DNA position 17, A replaced by G.
Protein change: p.Asp6Gly; replaces aspartic acid 6 with glycine.
Molecular consequence: missense variant.
Genome position (GRCh38, 1-based): chr2:24,658,694, A>G. VCF-style: chr2-24658694-A-G. GRCh37 (hg19) VCF-style: chr2-24881563-A-G.
Other names: c.17A>G, p.Asp6Gly (NM_001362950.1, NM_001362952.1, NM_001362954.1 and 3 more transcripts); short protein forms D6G.
Identifiers: ClinVar variation 2628431 (VCV002628431.2), dbSNP rs2148491916, ClinGen allele CA346045368.
Genomic context (GRCh38, chr2:24,658,694, plus strand): 5'-TTTCTTACTGTTGTCCTTCCTGTTTAGGTGTGAAGTTTTTCAACATGAGTGGCCTCGGGG[A>G]CAGTTCATCCGACCCTGCTAACCCAGACTCACATAAGAGGAAAGGATCGCCATGTGACAC-3'
Protein context (NP_003734.3, residues 1-16): MSGLG[Asp6Gly]SSSDPANPDS